The following is an entry in ClinVar:

ClinVar aggregate classification (germline): Uncertain significance (1 of 4 stars; one submission).

Allele frequency attached by ClinVar (database versions not stated): gnomAD exomes 0.00001; ExAC 0.00002; ESP Exome Variant Server 0.00008; TOPMed 0.00008; gnomAD 0.00011.
gnomAD v4.1: 35 of 1,613,784 alleles (0.0022%); highest among the groups gnomAD compares: African/African-American, 0.023%; no homozygotes.

Submission:

Labcorp Genetics (formerly Invitae), Labcorp
Classification: Uncertain significance. Last evaluated: 2022-04-30. Review status: criteria provided, single submitter. Criteria: Invitae Variant Classification Sherloc (09022015). Collection method: clinical testing. Allele origin: germline.
Comment: In summary, the available evidence is currently insufficient to determine the role of this variant in disease. Therefore, it has been classified as a Variant of Uncertain Significance. Algorithms developed to predict the effect of missense changes on protein structure and function are either unavailable or do not agree on the potential impact of this missense change (SIFT: "Deleterious"; PolyPhen-2: "Benign"; Align-GVGD: "Class C0"). This variant has not been reported in the literature in individuals affected with FAT1-related conditions. This variant is present in population databases (rs368267696, gnomAD 0.02%). This sequence change replaces proline, which is neutral and non-polar, with leucine, which is neutral and non-polar, at codon 4231 of the FAT1 protein (p.Pro4231Leu).

NM_005245.4(FAT1):c.12692C>T (p.Pro4231Leu)

Gene: FAT1 (FAT atypical cadherin 1; minus strand). Cytogenetic location: 4q35.2.
Variant type: single nucleotide variant.
Coding change: c.12692C>T on transcript NM_005245.4 (MANE Select); coding-DNA position 12692, C replaced by T.
Protein change: p.Pro4231Leu; replaces proline 4231 with leucine.
Molecular consequence: missense variant.
Genome position (GRCh38, 1-based): chr4:186,596,848, G>A on the plus strand (C>T on the coding strand, the complement: FAT1 is on the minus strand). VCF-style: chr4-186596848-G-A. GRCh37 (hg19) VCF-style: chr4-187518002-G-A.
Other names: short protein forms P4231L.
Identifiers: ClinVar variation 2421438 (VCV002421438.5), dbSNP rs368267696, ClinGen allele CA3164752.